The following is an entry in ClinVar:

ClinVar aggregate classification (germline): Uncertain significance (1 of 4 stars; one submission).

Conditions:
Inborn genetic diseases. Identifiers: MedGen C0950123, MeSH D030342.

gnomAD v4.1: 4 of 1,614,196 alleles (0.00025%); highest among the groups gnomAD compares: Non-Finnish European, 0.00034%; no homozygotes.

Submission:

Ambry Genetics
Classification: Uncertain significance for Inborn genetic diseases. Last evaluated: 2019-03-19. Review status: criteria provided, single submitter. Criteria: Ambry Variant Classification Scheme 2023. Collection method: clinical testing. Allele origin: germline.
Comment: The c.118A>G variant (also known as p.N40D), located in coding exon 1 of the ST3GAL3 gene, results from an A to G substitution at nucleotide position 118. The amino acid change results in asparagine to aspartic acid at codon 40, an amino acid with highly similar properties. This amino acid position is highly conserved in available vertebrate species. In addition, this alteration is predicted to be tolerated by in silico analysis. Since supporting evidence is limited at this time, the clinical significance of this alteration remains unclear.

NM_006279.5(ST3GAL3):c.118A>G (p.Asn40Asp)

Gene: ST3GAL3 (ST3 beta-galactoside alpha-2,3-sialyltransferase 3; plus strand). Cytogenetic location: 1p34.1.
Variant type: single nucleotide variant.
Coding change: c.118A>G on transcript NM_006279.5 (MANE Select); coding-DNA position 118, A replaced by G.
Protein change: p.Asn40Asp; replaces asparagine 40 with aspartic acid.
Molecular consequence: missense variant. On other transcripts: 5 prime UTR variant (1), non-coding transcript variant (8).
Genome position (GRCh38, 1-based): chr1:43,736,380, A>G. VCF-style: chr1-43736380-A-G. GRCh37 (hg19) VCF-style: chr1-44202051-A-G.
Other names: c.118A>G, p.Asn40Asp (NM_001270459.2, NM_001270460.2, NM_001350620.2 and 4 more transcripts); c.118A>G, p.Lys40Glu (NM_001270461.3, NM_001270462.3, NM_001270464.3 and 5 more transcripts); c.118A>G, p.Ser40Gly (NM_001270463.3, NM_001270465.3, NM_001350619.2 and 3 more transcripts); c.-336A>G (NM_001350621.2); short protein forms N40D, S40G, K40E.
Identifiers: ClinVar variation 1744447 (VCV001744447.2), dbSNP rs572942778, ClinGen allele CA21673311.